The following is an entry in ClinVar:

ClinVar aggregate classification (germline): Likely benign. Review status: criteria provided, single submitter (1 of 4 stars). 2 submissions from 2 submitters: Likely benign (1). 1 of the submissions does not count toward it. Last evaluated 2024-02-02.

Conditions:
BCKDHA-related disorder. Also called: BCKDHA-related condition.
Maple syrup urine disease (MSUD). Identifiers: Orphanet 511, MedGen C0024776, MeSH D008375, MONDO:0009563. Disease mechanism: loss of function.

Allele frequency attached by ClinVar (database versions not stated): ExAC 0.00001; gnomAD 0.00001; gnomAD exomes 0.00001; TOPMed 0.00002.
gnomAD v4.1: 10 of 1,614,102 alleles (0.00062%); highest among the groups gnomAD compares: Admixed American, 0.0017%; no homozygotes.

Submissions (2):

Labcorp Genetics (formerly Invitae), Labcorp
Classification: Likely benign for Maple syrup urine disease. Last evaluated: 2024-02-02. Review status: criteria provided, single submitter. Criteria: Invitae Variant Classification Sherloc (09022015). Collection method: clinical testing. Allele origin: germline.

PreventionGenetics, part of Exact Sciences
Classification: Likely benign for BCKDHA-related condition. Last evaluated: 2019-08-22. Review status: no assertion criteria provided. Collection method: clinical testing. Allele origin: germline. Not counted in ClinVar's aggregate classification.
Comment: This variant is classified as likely benign based on ACMG/AMP sequence variant interpretation guidelines (Richards et al. 2015 PMID: 25741868, with internal and published modifications).

NM_000709.4(BCKDHA):c.504C>T (p.Asp168=)

Gene: BCKDHA (branched chain keto acid dehydrogenase E1 subunit alpha; plus strand). Cytogenetic location: 19q13.2.
Variant type: single nucleotide variant.
Coding change: c.504C>T on transcript NM_000709.4 (MANE Select); coding-DNA position 504, C replaced by T.
Protein change: p.Asp168=; no amino-acid change (aspartic acid 168 retained).
Molecular consequence: synonymous variant.
Genome position (GRCh38, 1-based): chr19:41,419,154, C>T. VCF-style: chr19-41419154-C-T. GRCh37 (hg19) VCF-style: chr19-41925059-C-T.
Other names: c.504C>T, p.Asp168= (NM_001164783.2); c.504C>T (NM_000709.3).
Identifiers: ClinVar variation 1147552 (VCV001147552.11), dbSNP rs750857655, ClinGen allele CA9461188.
Genomic context (GRCh38, chr19:41,419,154, plus strand): 5'-GTACTGCCCACTCGGCTAACCATTGCCTCCTCCCCTCCTAGGTGTGCTGATGTATCGGGA[C>T]TACCCCCTGGAACTATTCATGGCCCAGTGCTATGGCAACATCAGTGACTTGGGCAAGGGG-3'
Protein context (NP_000700.1, residues 158-178): YREAGVLMYR[Asp168=]YPLELFMAQC